The following is an entry in ClinVar:

NM_134261.3(RORA):c.351_354del (p.Asp118fs)

Genes: RORA (RAR related orphan receptor A; minus strand), RORA-AS1 (RORA antisense RNA 1; plus strand). Cytogenetic location: 15q22.2.
Variant type: Microsatellite.
Coding change: c.351_354del on transcript NM_134261.3 (MANE Select); coding-DNA positions 351 to 354, 4 bases deleted (TGAT; older notation c.351_354delTGAT).
Protein change: p.Asp118fs; shifts the reading frame from aspartic acid 118.
Molecular consequence: frameshift variant.
Genome position (GRCh38, 1-based): chr15:60,514,686-60,514,689, ATCA deleted on the plus strand (TGAT on the coding strand, the reverse complement: RORA is on the minus strand); deleting any 4 consecutive bases within chr15:60,514,686-60,514,694 gives the same sequence; the c. name uses the placement nearest the transcript's 3' end. VCF-style (leftmost placement, unchanged base first): chr15-60514685-GATCA-G. GRCh37 (hg19) VCF-style: chr15-60806884-GATCA-G.
Other names: c.426_429del, p.Asp143fs (NM_002943.4); c.450_453del, p.Asp151fs (NM_134260.3); c.186_189del, p.Asp63fs (NM_134262.3); short protein forms D118fs, D143fs, D151fs, D63fs.
Identifiers: ClinVar variation 1254934 (VCV001254934.2), dbSNP rs2141337837, ClinGen allele CA2580613845.

ClinVar aggregate classification (germline): Pathogenic (1 of 4 stars; one submission).

Submission:

GeneDx
Classification: Pathogenic. Last evaluated: 2021-08-03. Review status: criteria provided, single submitter. Criteria: GeneDx Variant Classification Process June 2021. Collection method: clinical testing. Allele origin: germline. Affected: yes.
Comment: Frameshift variant predicted to result in protein truncation or nonsense mediated decay in a gene for which loss-of-function is a known mechanism of disease; Not observed in large population cohorts (Lek et al., 2016); Has not been previously published as pathogenic or benign to our knowledge